The following is an entry in ClinVar:

NM_004360.5(CDH1):c.2488_2489dup (p.Leu831fs)

Gene: CDH1 (cadherin 1; plus strand). Cytogenetic location: 16q22.1.
Variant type: Microsatellite.
Coding change: c.2488_2489dup on transcript NM_004360.5 (MANE Select); coding-DNA positions 2488 to 2489, 2 bases duplicated (CT; older notation c.2488_2489dupCT).
Protein change: p.Leu831fs; shifts the reading frame from leucine 831.
Molecular consequence: frameshift variant.
Genome position (GRCh38, 1-based): chr16:68,833,338-68,833,339, CT duplicated; duplicating any 2 consecutive bases within chr16:68,833,335-68,833,339 gives the same sequence; the c. name uses the placement nearest the transcript's 3' end. VCF-style (leftmost placement, unchanged base first): chr16-68833334-T-TTC. GRCh37 (hg19) VCF-style: chr16-68867237-T-TTC.
Other names: c.2305_2306dup, p.Leu770fs (NM_001317184.2); c.940_941dup, p.Leu315fs (NM_001317185.2); c.523_524dup, p.Leu176fs (NM_001317186.2); short protein forms L176fs, L315fs, L770fs, L831fs.
Identifiers: ClinVar variation 2673952 (VCV002673952.1), dbSNP rs2543964491, ClinGen allele CA2695197672.

ClinVar aggregate classification (germline): Likely pathogenic (1 of 4 stars; one submission).

Conditions:
Hereditary diffuse gastric adenocarcinoma (HDGC). Also called: DIFFUSE GASTRIC AND LOBULAR BREAST CANCER SYNDROME. Identifiers: Orphanet 26106, MedGen C1708349, MONDO:0007648, OMIM 137215.

Submission:

Myriad Genetics, Inc.
Classification: Likely pathogenic for Hereditary diffuse gastric adenocarcinoma. Last evaluated: 2023-11-20. Review status: criteria provided, single submitter. Criteria: Myriad Autosomal Dominant, Autosomal Recessive and X-Linked Classification Criteria (2023). Collection method: clinical testing. Allele origin: unknown.
Comment: This variant is considered likely pathogenic. This variant creates a frameshift predicted to result in premature protein truncation.